The following is an entry in ClinVar:

NM_001197104.2(KMT2A):c.10842C>T (p.Val3614=)

Gene: KMT2A (lysine methyltransferase 2A; plus strand). Cytogenetic location: 11q23.3.
Variant type: single nucleotide variant.
Coding change: c.10842C>T on transcript NM_001197104.2 (MANE Select); coding-DNA position 10842, C replaced by T.
Protein change: p.Val3614=; no amino-acid change (valine 3614 retained).
Molecular consequence: synonymous variant.
Genome position (GRCh38, 1-based): chr11:118,509,142, C>T. VCF-style: chr11-118509142-C-T. GRCh37 (hg19) VCF-style: chr11-118379857-C-T.
Other names: c.10932C>T, p.Val3644= (NM_001412597.1); c.10833C>T, p.Val3611= (NM_005933.4).
Identifiers: ClinVar variation 2161275 (VCV002161275.33), dbSNP rs370781768, ClinGen allele CA6304847.
Genomic context (GRCh38, chr11:118,509,142, plus strand): 5'-TCTTTGAATTGAAGAACTAGCTGATATTATATCTTACATTTGGTTTTTATTTAGGCAAGT[C>T]GCTGTTCTTCCGGAAGTTCAGGTGACCCAAAATCCAGCAAATGAACAAGAAAGTGCAGGT-3'
Protein context (NP_001184033.1, residues 3604-3624): QKECGQPAGQ[Val3614=]AVLPEVQVTQ

ClinVar aggregate classification (germline): Likely benign. Review status: criteria provided, multiple submitters, no conflicts (2 of 4 stars). 3 submissions from 3 submitters: Likely benign (2). 1 of the submissions does not count toward it. Last evaluated 2026-04-01.

Conditions:
KMT2A-related disorder. Also called: KMT2A-related condition.

Allele frequency attached by ClinVar (database versions not stated): TOPMed 0.00002; ESP Exome Variant Server 0.00008.
gnomAD v4.1: 42 of 1,613,392 alleles (0.0026%); highest among the groups gnomAD compares: Non-Finnish European, 0.0031%; no homozygotes.

Submissions (3):

CeGaT Center for Human Genetics Tuebingen
Classification: Likely benign. Last evaluated: 2026-04-01. Review status: criteria provided, single submitter. Criteria: CeGaT Center For Human Genetics Tuebingen Variant Classification Criteria Version 2. Collection method: clinical testing. Allele origin: germline. Affected: yes. Observed: 2 variant alleles.
Comment: KMT2A: BP4, BP7

Labcorp Genetics (formerly Invitae), Labcorp
Classification: Likely benign. Last evaluated: 2025-10-22. Review status: criteria provided, single submitter. Criteria: Invitae Variant Classification Sherloc (09022015). Collection method: clinical testing. Allele origin: germline.

PreventionGenetics, part of Exact Sciences
Classification: Likely benign for KMT2A-related condition. Last evaluated: 2019-09-17. Review status: no assertion criteria provided. Collection method: clinical testing. Allele origin: germline. Not counted in ClinVar's aggregate classification.
Comment: This variant is classified as likely benign based on ACMG/AMP sequence variant interpretation guidelines (Richards et al. 2015 PMID: 25741868, with internal and published modifications).